The following is an entry in ClinVar:

NM_000090.4(COL3A1):c.283-2A>G

Gene: COL3A1 (collagen type III alpha 1 chain; plus strand). Cytogenetic location: 2q32.2.
Variant type: single nucleotide variant.
Coding change: c.283-2A>G on transcript NM_000090.4 (MANE Select); the canonical splice acceptor site of the intron before coding-DNA position 283, A replaced by G.
Molecular consequence: splice acceptor variant.
Genome position (GRCh38, 1-based): chr2:188,985,195, A>G. VCF-style: chr2-188985195-A-G. GRCh37 (hg19) VCF-style: chr2-189849921-A-G.
Identifiers: ClinVar variation 4771138 (VCV004771138.1).

ClinVar aggregate classification (germline): Likely pathogenic (1 of 4 stars; one submission).

Conditions:
Ehlers-Danlos syndrome, type 4 (EDSVASC). Also called: Ehlers-Danlos syndrome vascular type; Ehlers Danlos syndrome, ecchymotic type; Ehlers Danlos syndrome, arterial type; Ehlers Danlos syndrome, Sack-Barabas type; Ehlers-Danlos Syndrome Type IV. Identifiers: Orphanet 286, MedGen C0268338, MONDO:0017314, OMIM 130050.

Submission:

Labcorp Genetics (formerly Invitae), Labcorp
Classification: Likely pathogenic for Ehlers-Danlos syndrome, type 4. Last evaluated: 2026-01-14. Review status: criteria provided, single submitter. Criteria: Invitae Variant Classification Sherloc (09022015). Collection method: clinical testing. Allele origin: germline.
Comment: This sequence change affects an acceptor splice site in intron 2 of the COL3A1 gene. It is expected to disrupt RNA splicing. Variants that disrupt the donor or acceptor splice site typically lead to a loss of protein function (PMID: 16199547), and loss-of-function variants in COL3A1 are known to be pathogenic (PMID: 24922459). This variant is not present in population databases (gnomAD no frequency). This variant has not been reported in the literature in individuals affected with COL3A1-related conditions. Algorithms developed to predict the effect of sequence changes on RNA splicing suggest that this variant may disrupt the consensus splice site. In summary, the currently available evidence indicates that the variant is pathogenic, but additional data are needed to prove that conclusively. Therefore, this variant has been classified as Likely Pathogenic.

Literature cited by the submitters: PubMed 16199547; PubMed 24922459.